The following is an entry in ClinVar:

NM_022132.5(MCCC2):c.*1573C>G

Gene: MCCC2 (methylcrotonyl-CoA carboxylase subunit 2; plus strand). Cytogenetic location: 5q13.2.
Variant type: single nucleotide variant.
Coding change: c.*1573C>G on transcript NM_022132.5 (MANE Select); 1573 bases downstream of the stop codon, C replaced by G.
Molecular consequence: 3 prime UTR variant.
Genome position (GRCh38, 1-based): chr5:71,658,433, C>G. VCF-style: chr5-71658433-C-G. GRCh37 (hg19) VCF-style: chr5-70954260-C-G.
Other names: c.*1573C>G (NM_001363147.1).
Identifiers: ClinVar variation 354127 (VCV000354127.5), dbSNP rs112693079, ClinGen allele CA10622138.

ClinVar aggregate classification (germline): Benign (1 of 4 stars; one submission).

Conditions:
3-methylcrotonyl-CoA carboxylase 2 deficiency. Also called: METHYLCROTONYLGLYCINURIA, TYPE II; 3 alpha methylcrotonyl-CoA carboxylase 2 deficiency; 3 alpha methylcrotonylglycinuria 2; MCC 2 deficiency; Methylcrotonylglycinuria type 2. Identifiers: Orphanet 6, MedGen C1859499, MONDO:0008862, OMIM 210210.

Allele frequency attached by ClinVar (database versions not stated): gnomAD 0.01838 and 0.01960; 1000 Genomes Project 0.01997; TOPMed 0.02054; 1000 Genomes Project 30x 0.02092.

Submission:

Illumina Laboratory Services, Illumina
Classification: Benign for 3-methylcrotonyl-CoA carboxylase 2 deficiency. Last evaluated: 2018-01-13. Review status: criteria provided, single submitter. Criteria: ICSL Variant Classification Criteria 13 December 2019. Collection method: clinical testing. Allele origin: germline.
Comment: This variant was observed in the ICSL laboratory as part of a predisposition screen in an ostensibly healthy population. It had not been previously curated by ICSL or reported in the Human Gene Mutation Database (HGMD: prior to June 1st, 2018), and was therefore a candidate for classification through an automated scoring system. Utilizing variant allele frequency, disease prevalence and penetrance estimates, and inheritance mode, an automated score was calculated to assess if this variant is too frequent to cause the disease. Based on the score and internal cut-off values, a variant classified as benign is not then subjected to further curation. The score for this variant resulted in a classification of benign for this disease.